The following is an entry in ClinVar:

NM_001122681.2(SH3BP2):c.*1798T>C

Gene: SH3BP2 (SH3 domain binding protein 2; plus strand). Cytogenetic location: 4p16.3.
Variant type: single nucleotide variant.
Coding change: c.*1798T>C on transcript NM_001122681.2 (MANE Select); 1798 bases downstream of the stop codon, T replaced by C.
Molecular consequence: 3 prime UTR variant.
Genome position (GRCh38, 1-based): chr4:2,835,632, T>C. VCF-style: chr4-2835632-T-C. GRCh37 (hg19) VCF-style: chr4-2837359-T-C.
Other names: c.*1798T>C (LRG_1334t2, LRG_1334t1, NM_001145855.2 and 2 more transcripts).
Identifiers: ClinVar variation 348621 (VCV000348621.5), dbSNP rs116575715, ClinGen allele CA10617685.
Genomic context (GRCh38, chr4:2,835,632, plus strand): 5'-GTCATGCCACTCCCCACTGTGGCCATAGTTTCTCTTCCTGTAAAATTTTATTATTTTAGT[T>C]TTTTGTTTTTGAGATGTAGTCTCACCCTGTCGCCCAGGCTGGAGTGCAATGCCGTGATCT-3'

ClinVar aggregate classification (germline): Benign (1 of 4 stars; one submission).

Conditions:
Fibrous dysplasia of jaw (CRBM). Also called: Cherubism. Identifiers: Orphanet 184, MedGen C0008029, MONDO:0007315, OMIM 118400.

Allele frequency attached by ClinVar (database versions not stated): gnomAD 0.03043 and 0.03262; 1000 Genomes Project 0.03375; TOPMed 0.03461; 1000 Genomes Project 30x 0.03592.

Submission:

Illumina Laboratory Services, Illumina
Classification: Benign for Fibrous dysplasia of jaw. Last evaluated: 2018-01-12. Review status: criteria provided, single submitter. Criteria: ICSL Variant Classification Criteria 13 December 2019. Collection method: clinical testing. Allele origin: germline.
Comment: This variant was observed in the ICSL laboratory as part of a predisposition screen in an ostensibly healthy population. It had not been previously curated by ICSL or reported in the Human Gene Mutation Database (HGMD: prior to June 1st, 2018), and was therefore a candidate for classification through an automated scoring system. Utilizing variant allele frequency, disease prevalence and penetrance estimates, and inheritance mode, an automated score was calculated to assess if this variant is too frequent to cause the disease. Based on the score and internal cut-off values, a variant classified as benign is not then subjected to further curation. The score for this variant resulted in a classification of benign for this disease.